The following is an entry in ClinVar:

ClinVar aggregate classification (germline): Uncertain significance. Review status: criteria provided, multiple submitters, no conflicts (2 of 4 stars). 2 submissions from 2 submitters: Uncertain significance (2). Last evaluated 2025-09-10.

Conditions:
Hereditary cancer-predisposing syndrome. Also called: Hereditary Cancer Syndrome; Tumor predisposition; Hereditary neoplastic syndrome; Neoplastic Syndromes, Hereditary. Identifiers: Orphanet 140162, MedGen C0027672, MeSH D009386, MONDO:0015356.
Multiple endocrine neoplasia, type 2 (MEN2). Identifiers: Orphanet 653, MedGen C4048306, MONDO:0019003. Disease mechanism: gain of function.

Submissions (2):

Labcorp Genetics (formerly Invitae), Labcorp
Classification: Uncertain significance for Multiple endocrine neoplasia, type 2. Last evaluated: 2025-09-10. Review status: criteria provided, single submitter. Criteria: Invitae Variant Classification Sherloc (09022015). Collection method: clinical testing. Allele origin: germline.
Comment: This variant, c.35_52dup, results in the insertion of 6 amino acid(s) of the RET protein (p.Arg12_Leu17dup), but otherwise preserves the integrity of the reading frame. This variant is not present in population databases (gnomAD no frequency). This variant has not been reported in the literature in individuals affected with RET-related conditions. ClinVar contains an entry for this variant (Variation ID: 1053894). Experimental studies and prediction algorithms are not available or were not evaluated, and the functional significance of this variant is currently unknown. In summary, the available evidence is currently insufficient to determine the role of this variant in disease. Therefore, it has been classified as a Variant of Uncertain Significance.

Ambry Genetics
Classification: Uncertain significance for Hereditary cancer-predisposing syndrome. Last evaluated: 2025-08-05. Review status: criteria provided, single submitter. Criteria: Ambry Variant Classification Scheme 2023. Collection method: clinical testing. Allele origin: germline.
Comment: The c.35_52dup18 variant (also known as p.R12_L17dup), located in coding exon 1 of the RET gene, results from an in-frame duplication of 18 nucleotides at nucleotide positions 35 to 52. This results in the duplication of 6 amino acids (RLLLLL) at codons 12 to 17. This amino acid region is conserved on limited sequence alignment. In addition, this alteration is predicted to be neutral by in silico analysis (Choi Y et al. PLoS ONE. 2012; 7(10):e46688). Based on the available evidence, the clinical significance of this variant remains unclear.

NM_020975.6(RET):c.35_52dup (p.Leu17_Leu18insArgLeuLeuLeuLeuLeu)

Genes: RET (ret proto-oncogene; plus strand), LOC106736614 (RET 5' regulatory region; plus strand). Cytogenetic location: 10q11.21.
Variant type: Duplication.
Coding change: c.35_52dup on transcript NM_020975.6 (MANE Select); coding-DNA positions 35 to 52, 18 bases duplicated (GTCTGCTGTTGCTGCTGC).
Protein change: p.Leu17_Leu18insArgLeuLeuLeuLeuLeu.
Molecular consequence: inframe insertion. On other transcripts: inframe indel (41).
Genome position (GRCh38, 1-based): chr10:43,077,293-43,077,310, GTCTGCTGTTGCTGCTGC duplicated; duplicating any 18 consecutive bases within chr10:43,077,288-43,077,310 gives the same sequence; the c. name uses the placement nearest the transcript's 3' end. VCF-style (leftmost placement, unchanged base first): chr10-43077287-G-GGCTGCGTCTGCTGTTGCT. GRCh37 (hg19) VCF-style: chr10-43572735-G-GGCTGCGTCTGCTGTTGCT.
Other names: c.35_52dup, p.Leu17_Leu18insArgLeuLeuLeuLeuLeu (NM_000323.2, NM_001406743.1, NM_001406744.1 and 38 more transcripts); c.35_52dupGTCTGCTGTTGCTGCTGC (NM_020975.4).
Identifiers: ClinVar variation 1053894 (VCV001053894.14), dbSNP rs1837065209, ClinGen allele CA927685011.